The following is an entry in ClinVar:

ClinVar aggregate classification (germline): Uncertain significance (1 of 4 stars; one submission).

Conditions:
Hypertrophic cardiomyopathy. Also called: HYPERTROPHIC MYOCARDIOPATHY. Identifiers: Orphanet 217569, MedGen C0007194, MeSH D002312, MONDO:0005045, HP:0001639.

gnomAD v4.1: 1 of 1,614,184 alleles (0.000062%); highest among the groups gnomAD compares: East Asian, 0.0022%; no homozygotes.

Submission:

Labcorp Genetics (formerly Invitae), Labcorp
Classification: Uncertain significance for Hypertrophic cardiomyopathy. Last evaluated: 2021-03-16. Review status: criteria provided, single submitter. Criteria: Invitae Variant Classification Sherloc (09022015). Collection method: clinical testing. Allele origin: germline.
Comment: This sequence change replaces proline with threonine at codon 687 of the MYH7 protein (p.Pro687Thr). The proline residue is highly conserved and there is a small physicochemical difference between proline and threonine. In summary, the available evidence is currently insufficient to determine the role of this variant in disease. Therefore, it has been classified as a Variant of Uncertain Significance. This variant is found within a region of MYH7 between codons 181 and 937 that contains the majority of the myosin head domain. Missense variants in this region have been shown to be significantly overrepresented in individuals with hypertrophic cardiomyopathy (PMID: 27532257). Algorithms developed to predict the effect of missense changes on protein structure and function are either unavailable or do not agree on the potential impact of this missense change (SIFT: "Deleterious"; PolyPhen-2: "Benign"; Align-GVGD: "Class C35"). This variant has not been reported in the literature in individuals with MYH7-related conditions. This variant is not present in population databases (ExAC no frequency).

Literature cited by the submitters: PubMed 27532257.

NM_000257.4(MYH7):c.2059C>A (p.Pro687Thr)

Gene: MYH7 (myosin heavy chain 7; minus strand). Cytogenetic location: 14q11.2.
Variant type: single nucleotide variant.
Coding change: c.2059C>A on transcript NM_000257.4 (MANE Select); coding-DNA position 2059, C replaced by A.
Protein change: p.Pro687Thr; replaces proline 687 with threonine.
Molecular consequence: missense variant.
Genome position (GRCh38, 1-based): chr14:23,426,067, G>T on the plus strand (C>A on the coding strand, the complement: MYH7 is on the minus strand). VCF-style: chr14-23426067-G-T. GRCh37 (hg19) VCF-style: chr14-23895276-G-T.
Other names: short protein forms P687T.
Identifiers: ClinVar variation 1509831 (VCV001509831.8), dbSNP rs765634033, ClinGen allele CA257821126.